The following is an entry in ClinVar:

NM_001042492.3(NF1):c.7778T>A (p.Leu2593Ter)

Gene: NF1 (neurofibromin 1; plus strand). Cytogenetic location: 17q11.2.
Variant type: single nucleotide variant.
Coding change: c.7778T>A on transcript NM_001042492.3 (MANE Select); coding-DNA position 7778, T replaced by A.
Protein change: p.Leu2593Ter; replaces leucine 2593 with a stop codon.
Molecular consequence: nonsense.
Genome position (GRCh38, 1-based): chr17:31,356,999, T>A. VCF-style: chr17-31356999-T-A. GRCh37 (hg19) VCF-style: chr17-29684017-T-A.
Other names: c.7715T>A, p.Leu2572Ter (NM_000267.4); short protein forms L2572*, L2593*.
Identifiers: ClinVar variation 2864366 (VCV002864366.4), dbSNP rs2151582276, ClinGen allele CA399018436.
Genomic context (GRCh38, chr17:31,356,999, plus strand): 5'-TAATTCCCTATCTTGCTGCAGAAACTCAGAGGATTTCCTCATCACAACAGCACCCACATT[T>A]ACGTAAAGTTTCAGTGTCTGAATCAAATGTTCTCTTGGATGAAGAAGTACTTACTGATCC-3'

ClinVar aggregate classification (germline): Pathogenic/Likely pathogenic. Review status: criteria provided, multiple submitters, no conflicts (2 of 4 stars). 2 submissions from 2 submitters: Pathogenic (1); Likely pathogenic (1). Last evaluated 2023-05-15.

Conditions:
Neurofibromatosis, type 1 (NF1). Also called: Neurofibromatosis, type I; VON RECKLINGHAUSEN DISEASE; NEUROFIBROMATOSIS, TYPE I, SOMATIC; Peripheral type neurofibromatosis. Identifiers: Orphanet 636, MedGen C0027831, MONDO:0018975, OMIM 162200. Disease mechanism: loss of function.
NF1-related disorder. Also called: NF1-related condition. Identifiers: MedGen CN379171.

Submissions (2):

Labcorp Genetics (formerly Invitae), Labcorp
Classification: Pathogenic for Neurofibromatosis, type 1. Last evaluated: 2023-05-15. Review status: criteria provided, single submitter. Criteria: Invitae Variant Classification Sherloc (09022015). Collection method: clinical testing. Allele origin: germline.
Comment: This variant has not been reported in the literature in individuals affected with NF1-related conditions. For these reasons, this variant has been classified as Pathogenic. This variant is not present in population databases (gnomAD no frequency). This sequence change creates a premature translational stop signal (p.Leu2572*) in the NF1 gene. It is expected to result in an absent or disrupted protein product. Loss-of-function variants in NF1 are known to be pathogenic (PMID: 10712197, 23913538).

Blueprint Genetics
Classification: Likely pathogenic for NF1-related disorders. Last evaluated: 2023-02-03. Review status: criteria provided, single submitter. Criteria: ACMG Guidelines, 2015. Collection method: clinical testing. Allele origin: de novo. Affected: yes. Observed: 1 variant allele.

Literature cited by the submitters: PubMed 10712197 (cited by Labcorp Genetics (formerly Invitae), Labcorp); PubMed 23913538 (cited by Labcorp Genetics (formerly Invitae), Labcorp).